The following is an entry in ClinVar:

NM_006393.3(NEBL):c.1549A>G (p.Met517Val)

Gene: NEBL (nebulette; minus strand). Cytogenetic location: 10p12.31.
Variant type: single nucleotide variant.
Coding change: c.1549A>G on transcript NM_006393.3 (MANE Select); coding-DNA position 1549, A replaced by G.
Protein change: p.Met517Val; replaces methionine 517 with valine.
Molecular consequence: missense variant. On other transcripts: intron variant (9).
Genome position (GRCh38, 1-based): chr10:20,831,484, T>C on the plus strand (A>G on the coding strand, the complement: NEBL is on the minus strand). VCF-style: chr10-20831484-T-C. GRCh37 (hg19) VCF-style: chr10-21120413-T-C.
Other names: c.250-18544A>G (NM_001377326.1, NM_001377327.1, NM_001377328.1); c.358-18544A>G (NM_213569.2, NM_001173484.2, NM_001377322.1); c.301-18544A>G (NM_001377324.1); c.292-18544A>G (NM_001377325.1); c.310-18544A>G (NM_001377323.1); c.1549A>G (NM_006393.2); short protein forms M517V.
Identifiers: ClinVar variation 1420591 (VCV001420591.9), dbSNP rs1430856878, ClinGen allele CA376097572.
Genomic context (GRCh38, chr10:20,831,484, plus strand): 5'-TATGATTCACGGCATTTATTTTAAACTTTGTATCTTGCTGCTGTCTTACCTGGCTGGCCA[T>C]CTCGGATGCTTTCTTAGCTCTCTGGACATCAAGAGTGTCTGTGCTCACCTGCATCCCTTT-3'
Protein context (NP_006384.1, residues 507-527): DVQRAKKASE[Met517Val]ASQKQYKKDL

ClinVar aggregate classification (germline): Uncertain significance. Review status: criteria provided, multiple submitters, no conflicts (2 of 4 stars). 2 submissions from 2 submitters: Uncertain significance (2). Last evaluated 2025-12-11.

Conditions:
Primary dilated cardiomyopathy (DCM). Also called: Dilated Cardiomyopathy. Identifiers: Orphanet 217604, MedGen C0007193, MeSH D002311, MONDO:0005021, HP:0001644. Inheritance: Various modes of inheritance.

Allele frequency attached by ClinVar (database versions not stated): gnomAD 0.00001; TOPMed 0.00001.
gnomAD v4.1: 2 of 1,609,016 alleles (0.00012%); highest among the groups gnomAD compares: African/African-American, 0.0027%; no homozygotes.

Submissions (2):

Ambry Genetics
Classification: Uncertain significance. Last evaluated: 2025-12-11. Review status: criteria provided, single submitter. Criteria: Ambry Variant Classification Scheme 2023. Collection method: clinical testing. Allele origin: germline.

Labcorp Genetics (formerly Invitae), Labcorp
Classification: Uncertain significance for Primary dilated cardiomyopathy. Last evaluated: 2023-12-13. Review status: criteria provided, single submitter. Criteria: Invitae Variant Classification Sherloc (09022015). Collection method: clinical testing. Allele origin: germline.
Comment: This sequence change replaces methionine, which is neutral and non-polar, with valine, which is neutral and non-polar, at codon 517 of the NEBL protein (p.Met517Val). This variant is not present in population databases (gnomAD no frequency). This variant has not been reported in the literature in individuals affected with NEBL-related conditions. ClinVar contains an entry for this variant (Variation ID: 1420591). An algorithm developed to predict the effect of missense changes on protein structure and function (PolyPhen-2) suggests that this variant is likely to be tolerated. In summary, the available evidence is currently insufficient to determine the role of this variant in disease. Therefore, it has been classified as a Variant of Uncertain Significance.